The following is an entry in ClinVar:

NM_001130987.2(DYSF):c.629del (p.Gly210fs)

Gene: DYSF (dysferlin; plus strand). Cytogenetic location: 2p13.2.
Variant type: Deletion.
Coding change: c.629del on transcript NM_001130987.2 (MANE Select); coding-DNA position 629, one base deleted (G; older notation c.629delG).
Protein change: p.Gly210fs; shifts the reading frame from glycine 210.
Molecular consequence: frameshift variant.
Genome position (GRCh38, 1-based): chr2:71,513,791, G deleted; the last of 2 consecutive G bases (chr2:71,513,790-71,513,791); deleting either gives the same sequence. VCF-style (leftmost placement, unchanged base first): chr2-71513789-CG-C. GRCh37 (hg19) VCF-style: chr2-71740919-CG-C.
Other names: NM_003494.4:c.533del; c.533del, p.Gly178fs (NM_003494.4, NM_001130976.2, NM_001130977.2 and 1 more transcripts); c.536del, p.Gly179fs (NM_001130455.2, NM_001130983.2, NM_001130984.2 and 1 more transcripts); c.626del, p.Gly209fs (NM_001130979.2, NM_001130980.2, NM_001130981.2); c.629del, p.Gly210fs (NM_001130982.2, NM_001130985.2); short protein forms G179fs, G178fs, G209fs, G210fs.
Identifiers: ClinVar variation 4056137 (VCV004056137.1).
Genomic context (GRCh38, chr2:71,513,789, plus strand): 5'-GGAAGACACAGAGGACCAGGGACTCACTGGAGATGAGGCGGAGCCATTCCTGGATCAAAG[CG>C]GAGGCCCGGGGGCTCCCACCACCCCAAGGAAACTACCTTCACGTCCTCCGCCCCACTACC-3'

ClinVar aggregate classification (germline): Pathogenic (3 of 4 stars; one submission).

Conditions:
Autosomal recessive limb-girdle muscular dystrophy. Identifiers: Orphanet 102015, MedGen C2931907, MONDO:0015152.

Submission:

ClinGen Limb Girdle Muscular Dystrophy Variant Curation Expert Panel, ClinGen
Classification: Pathogenic for Autosomal recessive limb-girdle muscular dystrophy. Last evaluated: 2025-04-03. Review status: reviewed by expert panel. Criteria: ClinGen LGMD VCEP ACMG Specifications DYSF V1.0.0. Collection method: curation. Allele origin: germline. Inheritance: Autosomal recessive inheritance.
Comment: The NM_003494.4: c.533del p.(Gly178GlufsTer49) variant in DYSF, which is also known as NM_001130987.2: c.629del (p.Gly210GlufsTer49), is a frameshift variant predicted to cause a premature stop codon in biologically relevant exon 7/55, leading to nonsense mediated decay in a gene in which loss of function is an established disease mechanism. This variant has been reported in one individual with suspected LGMD, where it was confirmed in trans with a pathogenic variant (NM_003494.4: c.1861G>A p.(Gly621Arg), 1.0 pt, PMID: 36983702; PM3). This patient displayed slowly progressive muscle weakness and disease range dysferlin by blood monocyte assay, which is highly specific for DYSF-related LGMD (PP4_Strong). The variant also co-segregated with the LGMD phenotype in one affected family member (PMID: 36983702; PP1). This variant is absent from gnomAD v.4.1.0 (PM2_Supporting). In summary, this variant meets the criteria to be classified as Pathogenic for autosomal recessive limb girdle muscular dystrophy based on the ACMG/AMP criteria applied, as specified by the ClinGen LGMD VCEP (LGMD VCEP specifications version 1.0.0; 04/03/2025): PVS1, PM3, PP4_Strong, PP1, PM2_Supporting.